The following is an entry in ClinVar:

NM_005534.4(IFNGR2):c.849T>C (p.Thr283=)

Genes: IFNGR2 (interferon gamma receptor 2; plus strand), TMEM50B (transmembrane protein 50B; minus strand). Cytogenetic location: 21q22.11.
Variant type: single nucleotide variant.
Coding change: c.849T>C on transcript NM_005534.4 (MANE Select); coding-DNA position 849, T replaced by C.
Protein change: p.Thr283=; no amino-acid change (threonine 283 retained).
Molecular consequence: synonymous variant.
Genome position (GRCh38, 1-based): chr21:33,432,841, T>C. VCF-style: chr21-33432841-T-C. GRCh37 (hg19) VCF-style: chr21-34805148-T-C.
Other names: c.906T>C, p.Thr302= (NM_001329128.2).
Identifiers: ClinVar variation 2916243 (VCV002916243.4), dbSNP rs769561382, ClinGen allele CA10007025.

ClinVar aggregate classification (germline): Likely benign. Review status: criteria provided, multiple submitters, no conflicts (2 of 4 stars). 2 submissions from 2 submitters: Likely benign (2). Last evaluated 2026-09-01.

Conditions:
Immunodeficiency 28 (IMD28). Also called: IFNGR2 DEFICIENCY. Identifiers: Orphanet 319547, Orphanet 319574, MedGen C4013947, MONDO:0013953, OMIM 614889.

Allele frequency attached by ClinVar (database versions not stated): TOPMed 0.00001; ExAC 0.00002; gnomAD exomes 0.00002.
gnomAD v4.1: 11 of 1,613,480 alleles (0.00068%); highest among the groups gnomAD compares: Non-Finnish European, 0.00085%; no homozygotes.

Submissions (2):

CeGaT Center for Human Genetics Tuebingen
Classification: Likely benign. Last evaluated: 2026-09-01. Review status: criteria provided, single submitter. Criteria: CeGaT Center For Human Genetics Tuebingen Variant Classification Criteria Version 2. Collection method: clinical testing. Allele origin: germline. Affected: yes. Observed: 1 variant allele.
Comment: IFNGR2: BP4, BP7

Labcorp Genetics (formerly Invitae), Labcorp
Classification: Likely benign for Immunodeficiency 28. Last evaluated: 2025-11-16. Review status: criteria provided, single submitter. Criteria: Invitae Variant Classification Sherloc (09022015). Collection method: clinical testing. Allele origin: germline.